The following is an entry in ClinVar:

ClinVar aggregate classification (germline): Benign. Review status: criteria provided, multiple submitters, no conflicts (2 of 4 stars). 2 submissions from 2 submitters: Benign (2). Last evaluated 2018-06-19.

Allele frequency attached by ClinVar (database versions not stated): 1000 Genomes Project 30x 0.90350; 1000 Genomes Project 0.90595; TOPMed 0.90798; gnomAD 0.91316 and 0.91718.
gnomAD v4.1: 139,668 of 152,282 alleles (92%); highest among the groups gnomAD compares: East Asian, 98%; 64,763 homozygotes.

Submissions (2):

GeneDx
Classification: Benign. Last evaluated: 2018-06-19. Review status: criteria provided, single submitter. Criteria: GeneDx Variant Classification (06012015). Collection method: clinical testing. Allele origin: germline. Affected: yes.
Comment: This variant is considered likely benign or benign based on one or more of the following criteria: it is a conservative change, it occurs at a poorly conserved position in the protein, it is predicted to be benign by multiple in silico algorithms, and/or has population frequency not consistent with disease.

Breakthrough Genomics
Classification: Benign. Review status: criteria provided, single submitter. Criteria: ACMG Guidelines, 2015. Collection method: not provided. Allele origin: germline. Inheritance: Autosomal recessive inheritance. Affected: yes.

NM_182760.4(SUMF1):c.603-156T>C

Gene: SUMF1 (sulfatase modifying factor 1; minus strand). Cytogenetic location: 3p26.1.
Variant type: single nucleotide variant.
Coding change: c.603-156T>C on transcript NM_182760.4 (MANE Select); 156 bases into the intron before coding-DNA position 603, T replaced by C.
Molecular consequence: intron variant.
Genome position (GRCh38, 1-based): chr3:4,418,288, A>G on the plus strand (T>C on the coding strand, the complement: SUMF1 is on the minus strand). VCF-style: chr3-4418288-A-G. GRCh37 (hg19) VCF-style: chr3-4459972-A-G.
Other names: c.528-156T>C (NM_001164674.2); c.603-156T>C (NM_001164675.2).
Identifiers: ClinVar variation 684125 (VCV000684125.2), dbSNP rs698209, ClinGen allele CA68803070.